The following is an entry in ClinVar:

ClinVar aggregate classification (germline): Uncertain significance (1 of 4 stars; one submission).

Conditions:
Muscular dystrophy-dystroglycanopathy (congenital with brain and eye anomalies), type a, 8 (MDDGA8). Also called: WALKER-WARBURG SYNDROME OR MUSCLE-EYE-BRAIN DISEASE, GTDC2-RELATED. Identifiers: Orphanet 899, MedGen C3553813, MONDO:0013904, OMIM 614830.

Allele frequency attached by ClinVar (database versions not stated): gnomAD exomes 0.00004 and 0.00007; ExAC 0.00007; gnomAD 0.00014; TOPMed 0.00014; ESP Exome Variant Server 0.00015.
gnomAD v4.1: 81 of 1,613,974 alleles (0.005%); highest among the groups gnomAD compares: African/African-American, 0.028%; no homozygotes.

Submission:

Labcorp Genetics (formerly Invitae), Labcorp
Classification: Uncertain significance for Muscular dystrophy-dystroglycanopathy (congenital with brain and eye anomalies), type a, 8. Last evaluated: 2022-09-12. Review status: criteria provided, single submitter. Criteria: Invitae Variant Classification Sherloc (09022015). Collection method: clinical testing. Allele origin: germline.
Comment: This sequence change replaces arginine, which is basic and polar, with glutamine, which is neutral and polar, at codon 489 of the POMGNT2 protein (p.Arg489Gln). This variant is present in population databases (rs140400295, gnomAD 0.03%). This variant has not been reported in the literature in individuals affected with POMGNT2-related conditions. ClinVar contains an entry for this variant (Variation ID: 1366680). Advanced modeling of protein sequence and biophysical properties (such as structural, functional, and spatial information, amino acid conservation, physicochemical variation, residue mobility, and thermodynamic stability) performed at Invitae indicates that this missense variant is not expected to disrupt POMGNT2 protein function. In summary, the available evidence is currently insufficient to determine the role of this variant in disease. Therefore, it has been classified as a Variant of Uncertain Significance.

NM_032806.6(POMGNT2):c.1466G>A (p.Arg489Gln)

Gene: POMGNT2 (protein O-linked mannose N-acetylglucosaminyltransferase 2 (beta 1,4-); minus strand). Cytogenetic location: 3p22.1.
Variant type: single nucleotide variant.
Coding change: c.1466G>A on transcript NM_032806.6 (MANE Select); coding-DNA position 1466, G replaced by A.
Protein change: p.Arg489Gln; replaces arginine 489 with glutamine.
Molecular consequence: missense variant.
Genome position (GRCh38, 1-based): chr3:43,079,966, C>T on the plus strand (G>A on the coding strand, the complement: POMGNT2 is on the minus strand). VCF-style: chr3-43079966-C-T. GRCh37 (hg19) VCF-style: chr3-43121458-C-T.
Other names: short protein forms R489Q.
Identifiers: ClinVar variation 1366680 (VCV001366680.3), dbSNP rs140400295, ClinGen allele CA2339840.